The following is an entry in ClinVar:

NM_024753.5(TTC21B):c.2864C>T (p.Thr955Ile)

Gene: TTC21B (tetratricopeptide repeat domain 21B; minus strand). Cytogenetic location: 2q24.3.
Variant type: single nucleotide variant.
Coding change: c.2864C>T on transcript NM_024753.5 (MANE Select); coding-DNA position 2864, C replaced by T.
Protein change: p.Thr955Ile; replaces threonine 955 with isoleucine.
Molecular consequence: missense variant.
Genome position (GRCh38, 1-based): chr2:165,899,774, G>A on the plus strand (C>T on the coding strand, the complement: TTC21B is on the minus strand). VCF-style: chr2-165899774-G-A. GRCh37 (hg19) VCF-style: chr2-166756284-G-A.
Other names: c.2864C>T (NM_024753.4); short protein forms T955I.
Identifiers: ClinVar variation 1367442 (VCV001367442.5), dbSNP rs1443929851, ClinGen allele CA349050034.

ClinVar aggregate classification (germline): Uncertain significance. Review status: criteria provided, multiple submitters, no conflicts (2 of 4 stars). 2 submissions from 2 submitters: Uncertain significance (2). Last evaluated 2024-12-28.

Conditions:
Nephronophthisis. Also called: Juvenile Nephronophthisis. Identifiers: Orphanet 655, MedGen C0687120, MONDO:0019005, HP:0000090.
Jeune thoracic dystrophy. Also called: Jeune syndrome; Infantile thoracic dystrophy; Thoracic pelvic phalangeal dystrophy; Jeune's syndrome; Chondroectodermal dysplasia-like syndrome; Short-rib thoracic dysplasia. Identifiers: Orphanet 474, MedGen C0265275, MONDO:0018770.
TTC21B-related disorder. Also called: TTC21B-related disorders; TTC21B-related condition.

Allele frequency attached by ClinVar (database versions not stated): TOPMed below 0.00001.

Submissions (2):

PreventionGenetics, part of Exact Sciences
Classification: Uncertain significance for TTC21B-related condition. Last evaluated: 2024-12-28. Review status: criteria provided, single submitter. Criteria: ACMG Guidelines, 2015. Collection method: clinical testing. Allele origin: germline.
Comment: The TTC21B c.2864C>T variant is predicted to result in the amino acid substitution p.Thr955Ile. To our knowledge, this variant has not been reported in the literature or in a large population database (gnomAD), indicating this variant is rare. At this time, the clinical significance of this variant is uncertain due to the absence of conclusive functional and genetic evidence.

Labcorp Genetics (formerly Invitae), Labcorp
Classification: Uncertain significance for Jeune thoracic dystrophy; Nephronophthisis. Last evaluated: 2021-08-17. Review status: criteria provided, single submitter. Criteria: Invitae Variant Classification Sherloc (09022015). Collection method: clinical testing. Allele origin: germline.
Comment: This sequence change replaces threonine with isoleucine at codon 955 of the TTC21B protein (p.Thr955Ile). The threonine residue is highly conserved and there is a moderate physicochemical difference between threonine and isoleucine. This variant is not present in population databases (ExAC no frequency). This variant has not been reported in the literature in individuals affected with TTC21B-related conditions. Algorithms developed to predict the effect of missense changes on protein structure and function are either unavailable or do not agree on the potential impact of this missense change (SIFT: "Deleterious"; PolyPhen-2: "Possibly Damaging"; Align-GVGD: "Class C15"). In summary, the available evidence is currently insufficient to determine the role of this variant in disease. Therefore, it has been classified as a Variant of Uncertain Significance.